The following is an entry in ClinVar:

ClinVar aggregate classification (germline): Uncertain significance (1 of 4 stars; one submission).

Conditions:
Congenital glucose-galactose malabsorption (GGM). Also called: DIARRHEA 16; MONOSACCHARIDE MALABSORPTION. Identifiers: Orphanet 35710, MedGen C0268186, MONDO:0011731, OMIM 606824.

Allele frequency attached by ClinVar (database versions not stated): gnomAD exomes below 0.00001.
gnomAD v4.1: 1 of 1,614,044 alleles (0.000062%); highest among the groups gnomAD compares: Non-Finnish European, 0.000085%; no homozygotes.

Submission:

Labcorp Genetics (formerly Invitae), Labcorp
Classification: Uncertain significance for Congenital glucose-galactose malabsorption. Last evaluated: 2022-11-15. Review status: criteria provided, single submitter. Criteria: Invitae Variant Classification Sherloc (09022015). Collection method: clinical testing. Allele origin: germline.
Comment: Algorithms developed to predict the effect of missense changes on protein structure and function (SIFT, PolyPhen-2, Align-GVGD) all suggest that this variant is likely to be tolerated. This sequence change replaces tryptophan, which is neutral and slightly polar, with arginine, which is basic and polar, at codon 6 of the SLC5A1 protein (p.Trp6Arg). This variant is present in population databases (no rsID available, gnomAD 0.0009%). This variant has not been reported in the literature in individuals affected with SLC5A1-related conditions. In summary, the available evidence is currently insufficient to determine the role of this variant in disease. Therefore, it has been classified as a Variant of Uncertain Significance.

NM_000343.4(SLC5A1):c.16T>C (p.Trp6Arg)

Gene: SLC5A1 (solute carrier family 5 member 1; plus strand). Cytogenetic location: 22q12.3.
Variant type: single nucleotide variant.
Coding change: c.16T>C on transcript NM_000343.4 (MANE Select); coding-DNA position 16, T replaced by C.
Protein change: p.Trp6Arg; replaces tryptophan 6 with arginine.
Molecular consequence: missense variant.
Genome position (GRCh38, 1-based): chr22:32,043,297, T>C. VCF-style: chr22-32043297-T-C. GRCh37 (hg19) VCF-style: chr22-32439284-T-C.
Other names: short protein forms W6R.
Identifiers: ClinVar variation 1957819 (VCV001957819.5), dbSNP rs1428682219, ClinGen allele CA411307410.